The following is an entry in ClinVar:

ClinVar aggregate classification (germline): Uncertain significance. Review status: reviewed by expert panel (3 of 4 stars). 8 submissions from 8 submitters: Uncertain significance (1). 7 of the submissions do not count toward it. Last evaluated 2025-10-28.

Conditions:
Very long chain acyl-CoA dehydrogenase deficiency (ACADVLD). Also called: VLCAD Deficiency; Very Long-Chain Acyl-Coenzyme A Dehydrogenase Deficiency. Identifiers: Orphanet 26793, MedGen C3887523, MONDO:0008723, OMIM 201475.

Allele frequency attached by ClinVar (database versions not stated): ExAC 0.00001; gnomAD exomes 0.00001; gnomAD 0.00002; TOPMed 0.00002.
gnomAD v4.1: 20 of 1,610,946 alleles (0.0012%); highest among the groups gnomAD compares: East Asian, 0.0067%; no homozygotes.

Submissions (8):

ClinGen ACADVL Variant Curation Expert Panel, ClinGen
Classification: Uncertain significance for Very long chain acyl-CoA dehydrogenase deficiency. Last evaluated: 2025-10-28. Review status: reviewed by expert panel. Criteria: clingen acadvl acmg specifications v1. Collection method: curation. Allele origin: germline. Inheritance: Autosomal recessive inheritance.
Comment: The NM_000018.4(ACADVL):c.1077G>A (p.Ala359=) variant is a synonymous (silent) variant is located in the last nucleotide position of exon 10 in ACADVL. Although it is adjacent to the canonical donor site in intron 10 and may potentially generate a cryptic donor gain, it does not meet the ACADVL VCEP’s criteria to be predicted to impact splicing (SpliceAI donor gain 0.45). The highest population minor allele frequency in gnomAD v4.1.0 is 0.000067 in East Asian population, which is lower than the ClinGen ACADVL Variant Curation Expert Panel threshold (<0.001) for PM2_Supporting, meeting this criterion (PM2_Supporting). This variant was detected in at least two individuals during abnormal newborn screening (PMIDs: 26385305, 31737040). In addition, this variant was also identified in homozygous fashion in a patient with abnormal newborn screening (PMID: 27246109). However, without further supporting data, this information is insufficient to be used toward classification. Due to limited evidence, this variant is classified as a variant of uncertain significance for autosomal recessive very long chain acyl-CoA dehydrogenase (VLCAD) deficiency based on the ACMG/AMP criteria applied, as specified by the ClinGen ACADVL Variant Curation Expert Panel: PM2_Supporting (ACADVL VCEP specifications version 2; approved May 01, 2025).

Labcorp Genetics (formerly Invitae), Labcorp
Classification: Likely pathogenic for Very long chain acyl-CoA dehydrogenase deficiency. Last evaluated: 2025-11-22. Review status: criteria provided, single submitter. Criteria: Invitae Variant Classification Sherloc (09022015). Collection method: clinical testing. Allele origin: germline. Not counted in ClinVar's aggregate classification.
Comment: This sequence change affects codon 359 of the ACADVL mRNA. It is a 'silent' change, meaning that it does not change the encoded amino acid sequence of the ACADVL protein. This variant also falls at the last nucleotide of exon 10, which is part of the consensus splice site for this exon. This variant is present in population databases (rs779458466, gnomAD 0.006%). This variant has been observed in individual(s) with VLCADD and very long-chain acyl-CoA dehydrogenase (VLCAD) deficiency (PMID: 26385305, 27246109; internal data). In at least one individual the data is consistent with being in trans (on the opposite chromosome) from a pathogenic variant. ClinVar contains an entry for this variant (Variation ID: 541717). Variants that disrupt the consensus splice site are a relatively common cause of aberrant splicing (PMID: 17576681, 9536098). Algorithms developed to predict the effect of sequence changes on RNA splicing suggest that this variant may create or strengthen a splice site. In summary, the currently available evidence indicates that the variant is pathogenic, but additional data are needed to prove that conclusively. Therefore, this variant has been classified as Likely Pathogenic.

Natera, Inc.
Classification: Likely pathogenic for Very long chain acyl-CoA dehydrogenase deficiency. Last evaluated: 2025-09-15. Review status: criteria provided, single submitter. Criteria: Natera Variant Classification Schema (03/2026). Collection method: clinical testing. Allele origin: germline. Not counted in ClinVar's aggregate classification.
Comment: The c.1077G>A variant in ACADVL is a synonymous variant that does not alter the encoded amino acid at position 359 (p.A359=). This variant is rare in the general population with a frequency below the threshold expected for the associated phenotype(s). This variant has been observed in one or more individuals affected with the associated recessive disease, as either homozygous or compound heterozygous with a second variant (PMID: 27246109, 38390979). Computational prediction algorithms indicate this variant is likely to affect gene or protein function. Given the available evidence, this variant is classified as Likely Pathogenic.

GeneDx
Classification: Likely pathogenic. Last evaluated: 2025-05-08. Review status: criteria provided, single submitter. Criteria: GeneDx Variant Classification Process June 2021. Collection method: clinical testing. Allele origin: germline. Affected: yes. Not counted in ClinVar's aggregate classification.
Comment: Not observed at significant frequency in large population cohorts (gnomAD); In silico analysis supports a deleterious effect on splicing; Reported in a single allele from a cohort of patients referred for analysis of the ACADVL gene after a positive newborn screening result (PMID: 26385305); This variant is associated with the following publications: (PMID: 28714951, 26385305, 27246109)

CeGaT Center for Human Genetics Tuebingen
Classification: Likely pathogenic. Last evaluated: 2024-07-01. Review status: criteria provided, single submitter. Criteria: CeGaT Center For Human Genetics Tuebingen Variant Classification Criteria Version 2. Collection method: clinical testing. Allele origin: germline. Affected: yes. Observed: 1 variant allele. Not counted in ClinVar's aggregate classification.
Comment: ACADVL: PM2, PM3, PP4:Moderate

Baylor Genetics
Classification: Likely pathogenic for Very long chain acyl-CoA dehydrogenase deficiency. Last evaluated: 2024-01-30. Review status: criteria provided, single submitter. Criteria: ACMG Guidelines, 2015. Collection method: clinical testing. Allele origin: unknown. Not counted in ClinVar's aggregate classification.

Suma Genomics
Classification: Uncertain significance for Very long chain acyl-CoA dehydrogenase deficiency. Review status: criteria provided, single submitter. Criteria: ACMG Guidelines, 2015. Collection method: clinical testing. Allele origin: unknown. Inheritance: Autosomal recessive inheritance. Affected: yes. Not counted in ClinVar's aggregate classification.

Counsyl
Classification: Uncertain significance for Very long chain acyl-CoA dehydrogenase deficiency. Last evaluated: 2018-05-18. Review status: no assertion criteria provided. Collection method: clinical testing. Allele origin: unknown. Not counted in ClinVar's aggregate classification.

Literature cited by the submitters: PubMed 26385305 (cited by Labcorp Genetics (formerly Invitae), Labcorp and Counsyl); PubMed 27246109 (cited by 3 submitters); PubMed 17576681 (cited by Labcorp Genetics (formerly Invitae), Labcorp); PubMed 9536098 (cited by Labcorp Genetics (formerly Invitae), Labcorp); PubMed 38390979 (cited by Natera, Inc.).

NM_000018.4(ACADVL):c.1077G>A (p.Ala359=)

Gene: ACADVL (acyl-CoA dehydrogenase very long chain; plus strand). Cytogenetic location: 17p13.1.
Variant type: single nucleotide variant.
Coding change: c.1077G>A on transcript NM_000018.4 (MANE Select); coding-DNA position 1077, G replaced by A.
Protein change: p.Ala359=; no amino-acid change (alanine 359 retained).
Molecular consequence: synonymous variant.
Genome position (GRCh38, 1-based): chr17:7,222,865, G>A. VCF-style: chr17-7222865-G-A. GRCh37 (hg19) VCF-style: chr17-7126184-G-A.
Other names: NM_000018.4(ACADVL):c.1077G>A; p.Ala359=; c.1011G>A, p.Ala337= (NM_001033859.3); c.1146G>A, p.Ala382= (NM_001270447.2); c.849G>A, p.Ala283= (NM_001270448.2); c.1077G>A (NM_000018.2).
Identifiers: ClinVar variation 541717 (VCV000541717.36), dbSNP rs779458466, ClinGen allele CA8337934.
Genomic context (GRCh38, chr17:7,222,865, plus strand): 5'-TGGAAGGTTTGGCATGGCTGCGGCCCTGGCAGGTACCATGAGAGGCATCATTGCTAAGGC[G>A]GTGAGTACCCTGCCCGAGTCCCTAGGTAACCCAAACAGAAGTCTCACTGTCCCCCTTGCC-3'
Protein context (NP_000009.1, residues 349-369): AGTMRGIIAK[Ala359=]VDHATNRTQF